The following is an entry in ClinVar:

NM_024312.5(GNPTAB):c.3300_3301del (p.Lys1100fs)

Gene: GNPTAB (N-acetylglucosamine-1-phosphate transferase subunits alpha and beta; minus strand). Cytogenetic location: 12q23.2.
Variant type: Deletion.
Coding change: c.3300_3301del on transcript NM_024312.5 (MANE Select); coding-DNA positions 3300 to 3301, 2 bases deleted (AA; older notation c.3300_3301delAA).
Protein change: p.Lys1100fs; shifts the reading frame from lysine 1100.
Molecular consequence: frameshift variant.
Genome position (GRCh38, 1-based): chr12:101,757,606-101,757,607, TT deleted on the plus strand (AA on the coding strand, the reverse complement: GNPTAB is on the minus strand); deleting any 2 consecutive bases within chr12:101,757,606-101,757,609 gives the same sequence; the c. name uses the placement nearest the transcript's 3' end. VCF-style (leftmost placement, unchanged base first): chr12-101757605-ATT-A. GRCh37 (hg19) VCF-style: chr12-102151383-ATT-A.
Other names: short protein forms K1100fs.
Identifiers: ClinVar variation 1073529 (VCV001073529.7), dbSNP rs1394425220, ClinGen allele CA2499221381.

ClinVar aggregate classification (germline): Pathogenic (1 of 4 stars; one submission).

Conditions:
Mucolipidosis type II. Also called: ML II ALPHA/BETA; Mucolipidosis 2; ML 2; Inclusion cell disease; Leroy Disease; N-acetylglucosamine 1phosphotransferase deficiency. Identifiers: Orphanet 576, MedGen C2673377, MONDO:0009650, OMIM 252500.
Pseudo-Hurler polydystrophy. Also called: MUCOLIPIDOSIS IIIA; ML III; ML III ALPHA/BETA; Type III Mucolipidosis; ML IIIA; Mucolipidosis III Alpha/Beta. Identifiers: Orphanet 423461, Orphanet 577, MedGen C0033788, MONDO:0018931, OMIM 252600.

Submission:

Labcorp Genetics (formerly Invitae), Labcorp
Classification: Pathogenic for Pseudo-Hurler polydystrophy; Mucolipidosis type II. Last evaluated: 2020-04-01. Review status: criteria provided, single submitter. Criteria: Invitae Variant Classification Sherloc (09022015). Collection method: clinical testing. Allele origin: germline.
Comment: This variant is not present in population databases (ExAC no frequency). This variant has not been reported in the literature in individuals with GNPTAB-related conditions. Loss-of-function variants in GNPTAB are known to be pathogenic (PMID: 19617216, 25107912). For these reasons, this variant has been classified as Pathogenic. This sequence change creates a premature translational stop signal (p.Lys1100Asnfs*6) in the GNPTAB gene. It is expected to result in an absent or disrupted protein product.

Literature cited by the submitters: PubMed 19617216; PubMed 25107912.